The following is an entry in ClinVar:

NM_002838.5(PTPRC):c.1379A>G (p.His460Arg)

Gene: PTPRC (protein tyrosine phosphatase receptor type C; plus strand). Cytogenetic location: 1q32.1.
Variant type: single nucleotide variant.
Coding change: c.1379A>G on transcript NM_002838.5 (MANE Select); coding-DNA position 1379, A replaced by G.
Protein change: p.His460Arg; replaces histidine 460 with arginine.
Molecular consequence: missense variant.
Genome position (GRCh38, 1-based): chr1:198,716,769, A>G. VCF-style: chr1-198716769-A-G. GRCh37 (hg19) VCF-style: chr1-198685898-A-G.
Other names: c.896A>G, p.His299Arg (NM_080921.4); c.1373A>G (NM_002838.3); short protein forms H299R, H460R.
Identifiers: ClinVar variation 1522774 (VCV001522774.6), dbSNP rs150366095, ClinGen allele CA1314783.
Genomic context (GRCh38, chr1:198,716,769, plus strand): 5'-ACCTGATCAAATATGATTTGCAAAATTTAAAACCTTATACGAAATATGTTTTATCATTAC[A>G]TGCCTACATCATTGCAAAAGTGCAACGTAATGGAAGTGCTGCAATGTGTCATTTCACAAC-3'
Protein context (NP_002829.3, residues 450-470): KPYTKYVLSL[His460Arg]AYIIAKVQRN

ClinVar aggregate classification (germline): Uncertain significance. Review status: criteria provided, multiple submitters, no conflicts (2 of 4 stars). 2 submissions from 2 submitters: Uncertain significance (2). Last evaluated 2024-02-27.

Conditions:
Inborn genetic diseases. Identifiers: MedGen C0950123, MeSH D030342.
Immunodeficiency 104. Also called: Severe Combined Immune Deficiency, Autosomal Recessive, TCell -Negative, B Cell-Positive, NK Cell-Positive, IL7R-Related; IMMUNODEFICIENCY 104, SEVERE COMBINED; SCID, AUTOSOMAL RECESSIVE, T CELL-NEGATIVE, B CELL-POSITIVE, NK CELL-POSITIVE; Severe combined immunodeficiency, autosomal recessive, T cell-negative, B cell-positive, NK cell-positive. Identifiers: MedGen C5676890, MONDO:0012163, OMIM 608971.

Allele frequency attached by ClinVar (database versions not stated): gnomAD exomes 0.00002 and 0.00008; ExAC 0.00007; gnomAD 0.00016; TOPMed 0.00024; ESP Exome Variant Server 0.00054.
gnomAD v4.1: 49 of 1,613,478 alleles (0.003%); highest among the groups gnomAD compares: African/African-American, 0.053%; 1 homozygote.

Submissions (2):

Ambry Genetics
Classification: Uncertain significance for Inborn genetic diseases. Last evaluated: 2024-02-27. Review status: criteria provided, single submitter. Criteria: Ambry Variant Classification Scheme 2023. Collection method: clinical testing. Allele origin: germline.

Labcorp Genetics (formerly Invitae), Labcorp
Classification: Uncertain significance for Immunodeficiency 104. Last evaluated: 2022-08-19. Review status: criteria provided, single submitter. Criteria: Invitae Variant Classification Sherloc (09022015). Collection method: clinical testing. Allele origin: germline.
Comment: This sequence change replaces histidine, which is basic and polar, with arginine, which is basic and polar, at codon 460 of the PTPRC protein (p.His460Arg). This variant is present in population databases (rs150366095, gnomAD 0.07%). This variant has not been reported in the literature in individuals affected with PTPRC-related conditions. ClinVar contains an entry for this variant (Variation ID: 1522774). Algorithms developed to predict the effect of missense changes on protein structure and function output the following: SIFT: "Tolerated"; PolyPhen-2: "Benign"; Align-GVGD: "Class C0". The arginine amino acid residue is found in multiple mammalian species, which suggests that this missense change does not adversely affect protein function. In summary, the available evidence is currently insufficient to determine the role of this variant in disease. Therefore, it has been classified as a Variant of Uncertain Significance.